The following is an entry in ClinVar:

NM_174936.4(PCSK9):c.846A>C (p.Pro282=)

Gene: PCSK9 (proprotein convertase subtilisin/kexin type 9; plus strand). Cytogenetic location: 1p32.3.
Variant type: single nucleotide variant.
Coding change: c.846A>C on transcript NM_174936.4 (MANE Select); coding-DNA position 846, A replaced by C.
Protein change: p.Pro282=; no amino-acid change (proline 282 retained).
Molecular consequence: synonymous variant. On other transcripts: non-coding transcript variant (8).
Genome position (GRCh38, 1-based): chr1:55,056,039, A>C. VCF-style: chr1-55056039-A-C. GRCh37 (hg19) VCF-style: chr1-55521712-A-C.
Other names: c.969A>C, p.Pro323= (NM_001407240.1); c.846A>C, p.Pro282= (NM_001407241.1, NM_001407244.1, NM_001407247.1); c.849A>C, p.Pro283= (NM_001407242.1); c.789A>C, p.Pro263= (NM_001407243.1); c.654A>C, p.Pro218= (NM_001407245.1); c.471A>C, p.Pro157= (NM_001407246.1).
Identifiers: ClinVar variation 3072072 (VCV003072072.1), dbSNP rs2523243999, ClinGen allele CA417959863.

ClinVar aggregate classification (germline): Likely benign (1 of 4 stars; one submission).

Conditions:
Hypercholesterolemia, autosomal dominant, 3 (FHCL3). Also called: Familial Hypercholesterolemia, Autosomal Dominant, 3; PCSK9-Related Familial Hypercholesterolemia, Autosomal Dominant; Familial hypercholesterolemia 3. Identifiers: MedGen C1863551, MONDO:0011369, OMIM 603776.

Submission:

All of Us Research Program, National Institutes of Health
Classification: Likely benign for Hypercholesterolemia, autosomal dominant, 3. Last evaluated: 2023-06-26. Review status: criteria provided, single submitter. Criteria: ACMG Guidelines, 2015. Collection method: clinical testing. Allele origin: germline. Inheritance: Autosomal dominant inheritance. Observed: 1 variant allele, 1 heterozygote.
Comment: This study involves interpretation of variants in research participants for the purpose of population health screening. Participant phenotype was not available at the time of variant classification. Additional details can be found in publication PMID: 35346344, PMCID: PMC8962531